The following is an entry in ClinVar:

NM_001042545.2(LTBP4):c.135C>T (p.Cys45=)

Gene: LTBP4 (latent transforming growth factor beta binding protein 4; plus strand). Cytogenetic location: 19q13.2.
Variant type: single nucleotide variant.
Coding change: c.135C>T on transcript NM_001042545.2 (MANE Select); coding-DNA position 135, C replaced by T.
Protein change: p.Cys45=; no amino-acid change (cysteine 45 retained).
Molecular consequence: synonymous variant. On other transcripts: intron variant (2).
Genome position (GRCh38, 1-based): chr19:40,601,522, C>T. VCF-style: chr19-40601522-C-T. GRCh37 (hg19) VCF-style: chr19-41107428-C-T.
Other names: c.451+1345C>T (NM_001042544.1); c.340+1345C>T (NM_003573.2).
Identifiers: ClinVar variation 226724 (VCV000226724.41), dbSNP rs185400394, ClinGen allele CA9447987.

ClinVar aggregate classification (germline): Benign/Likely benign. Review status: criteria provided, multiple submitters, no conflicts (2 of 4 stars). 5 submissions from 5 submitters: Benign (1); Likely benign (3). 1 of the submissions does not count toward it. Last evaluated 2026-08-01.

Conditions:
LTBP4-related disorder. Also called: LTBP4-related condition.

Allele frequency attached by ClinVar (database versions not stated): ExAC 0.00277; 1000 Genomes Project 0.00319; 1000 Genomes Project 30x 0.00344; TOPMed 0.00487; gnomAD exomes 0.00547; ESP Exome Variant Server 0.00629; gnomAD 0.00630 and 0.00654.
gnomAD v4.1: 10,135 of 1,493,690 alleles (0.68%); highest among the groups gnomAD compares: Non-Finnish European, 0.77%; 58 homozygotes.

Submissions (5):

CeGaT Center for Human Genetics Tuebingen
Classification: Likely benign. Last evaluated: 2026-08-01. Review status: criteria provided, single submitter. Criteria: CeGaT Center For Human Genetics Tuebingen Variant Classification Criteria Version 2. Collection method: clinical testing. Allele origin: germline. Affected: yes. Observed: 34 variant alleles.
Comment: LTBP4: BP4, BP7, BS2

GeneDx
Classification: Likely benign. Last evaluated: 2018-06-14. Review status: criteria provided, single submitter. Criteria: GeneDx Variant Classification (06012015). Collection method: clinical testing. Allele origin: germline. Affected: yes.
Comment: This variant is considered likely benign or benign based on one or more of the following criteria: it is a conservative change, it occurs at a poorly conserved position in the protein, it is predicted to be benign by multiple in silico algorithms, and/or has population frequency not consistent with disease.

Laboratory for Molecular Medicine, Mass General Brigham Personalized Medicine
Classification: Benign. Last evaluated: 2015-08-06. Review status: criteria provided, single submitter. Criteria: LMM Criteria. Collection method: clinical testing. Allele origin: germline. Observed: 1 variant allele.
Comment: p.Cys45Cys in exon 1A of LTBP4: This variant is not expected to have clinical si gnificance because it does not alter an amino acid residue and is not located wi thin the splice consensus sequence. It has been identified in 0.7% (20/2846) of European chromosomes by the Exome Aggregation Consortium (ExAC; dbSNP rs185400394).

Breakthrough Genomics
Classification: Likely benign. Review status: criteria provided, single submitter. Criteria: ACMG Guidelines, 2015. Collection method: not provided. Allele origin: germline. Inheritance: Autosomal recessive inheritance. Affected: yes.

PreventionGenetics, part of Exact Sciences
Classification: Benign for LTBP4-related condition. Last evaluated: 2019-10-31. Review status: no assertion criteria provided. Collection method: clinical testing. Allele origin: germline. Not counted in ClinVar's aggregate classification.
Comment: This variant is classified as benign based on ACMG/AMP sequence variant interpretation guidelines (Richards et al. 2015 PMID: 25741868, with internal and published modifications).